The following is an entry in ClinVar:

ClinVar aggregate classification (germline): Uncertain significance. Review status: criteria provided, multiple submitters, no conflicts (2 of 4 stars). 2 submissions from 2 submitters: Uncertain significance (2). Last evaluated 2025-06-07.

Conditions:
MECOM-related disorder. Also called: MECOM-related condition.
Inborn genetic diseases. Identifiers: MedGen C0950123, MeSH D030342.

gnomAD v4.1: 1 of 1,614,196 alleles (0.000062%); highest among the groups gnomAD compares: Non-Finnish European, 0.000085%; no homozygotes.

Submissions (2):

Ambry Genetics
Classification: Uncertain significance for Inborn genetic diseases. Last evaluated: 2025-06-07. Review status: criteria provided, single submitter. Criteria: Ambry Variant Classification Scheme 2023. Collection method: clinical testing. Allele origin: germline.
Comment: The p.S784G variant (also known as c.2350A>G), located in coding exon 8 of the MECOM gene, results from an A to G substitution at nucleotide position 2350. The serine at codon 784 is replaced by glycine, an amino acid with similar properties. This amino acid position is conserved. In addition, this alteration is predicted to be tolerated by in silico analysis. Based on the available evidence, the clinical significance of this variant remains unclear.

PreventionGenetics, part of Exact Sciences
Classification: Uncertain significance for MECOM-related condition. Last evaluated: 2025-01-18. Review status: criteria provided, single submitter. Criteria: ACMG Guidelines, 2015. Collection method: clinical testing. Allele origin: germline.
Comment: The MECOM c.1786A>G variant is predicted to result in the amino acid substitution p.Ser596Gly. To our knowledge, this variant has not been reported in the literature or in a large population database (gnomAD), indicating this variant is rare. At this time, the clinical significance of this variant is uncertain due to the absence of conclusive functional and genetic evidence.

NM_004991.4(MECOM):c.2350A>G (p.Ser784Gly)

Gene: MECOM (MDS1 and EVI1 complex locus; minus strand). Cytogenetic location: 3q26.2.
Variant type: single nucleotide variant.
Coding change: c.2350A>G on transcript NM_004991.4 (MANE Select); coding-DNA position 2350, A replaced by G.
Protein change: p.Ser784Gly; replaces serine 784 with glycine.
Molecular consequence: missense variant.
Genome position (GRCh38, 1-based): chr3:169,115,522, T>C on the plus strand (A>G on the coding strand, the complement: MECOM is on the minus strand). VCF-style: chr3-169115522-T-C. GRCh37 (hg19) VCF-style: chr3-168833310-T-C.
Other names: c.1786A>G, p.Ser596Gly (NM_001366469.2, NM_001366471.2, NM_001366472.2 and 4 more transcripts); c.1789A>G, p.Ser597Gly (NM_001366470.2, NM_001163999.2, NM_001366467.2 and 1 more transcripts); c.1378A>G, p.Ser460Gly (NM_001366473.2); c.814A>G, p.Ser272Gly (NM_001366474.2); c.1786A>G (NM_001105078.3); c.1981A>G, p.Ser661Gly (NM_001105077.4); c.2350A>G, p.Ser784Gly (NM_001366466.2); short protein forms S460G, S597G, S272G, S596G, S661G, S784G.
Identifiers: ClinVar variation 4053321 (VCV004053321.2).